The following is an entry in ClinVar:

ClinVar aggregate classification (germline): Uncertain significance (1 of 4 stars; one submission).

Submission:

GeneDx
Classification: Uncertain significance. Last evaluated: 2021-06-29. Review status: criteria provided, single submitter. Criteria: GeneDx Variant Classification Process June 2021. Collection method: clinical testing. Allele origin: germline. Affected: yes.
Comment: Not observed at significant frequency in large population cohorts (Lek et al., 2016); In silico analysis supports that this missense variant does not alter protein structure/function; Has not been previously published as pathogenic or benign to our knowledge; This variant is associated with the following publications: (PMID: 27535533)

NM_001042750.2(STAG2):c.2309A>G (p.Gln770Arg)

Gene: STAG2 (STAG2 cohesin complex component; plus strand). Cytogenetic location: Xq25.
Variant type: single nucleotide variant.
Coding change: c.2309A>G on transcript NM_001042750.2 (MANE Select); coding-DNA position 2309, A replaced by G.
Protein change: p.Gln770Arg; replaces glutamine 770 with arginine.
Molecular consequence: missense variant.
Genome position (GRCh38, 1-based): chrX:124,068,607, A>G. VCF-style: chrX-124068607-A-G. GRCh37 (hg19) VCF-style: chrX-123202457-A-G.
Other names: c.2309A>G, p.Gln770Arg (NM_001042749.2, NM_001042751.2, NM_001282418.2 and 13 more transcripts); short protein forms Q770R.
Identifiers: ClinVar variation 1331160 (VCV001331160.2), dbSNP rs2148357605, ClinGen allele CA414275139.